The following is an entry in ClinVar:

ClinVar aggregate classification (germline): Uncertain significance (1 of 4 stars; one submission).

Submission:

CeGaT Center for Human Genetics Tuebingen
Classification: Uncertain significance. Last evaluated: 2026-07-01. Review status: criteria provided, single submitter. Criteria: CeGaT Center For Human Genetics Tuebingen Variant Classification Criteria Version 2. Collection method: clinical testing. Allele origin: germline. Affected: yes. Observed: 1 variant allele.
Comment: RYR2: PM2, PP2, PP3

NM_001035.3(RYR2):c.14822G>C (p.Trp4941Ser)

Gene: RYR2 (ryanodine receptor 2; plus strand). Cytogenetic location: 1q43.
Variant type: single nucleotide variant.
Coding change: c.14822G>C on transcript NM_001035.3 (MANE Select); coding-DNA position 14822, G replaced by C.
Protein change: p.Trp4941Ser; replaces tryptophan 4941 with serine.
Molecular consequence: missense variant.
Genome position (GRCh38, 1-based): chr1:237,832,565, G>C. VCF-style: chr1-237832565-G-C. GRCh37 (hg19) VCF-style: chr1-237995865-G-C.
Other names: short protein forms W4941S.
Identifiers: ClinVar variation 5040161 (VCV005040161.1).